The following is an entry in ClinVar:

NM_001382.4(DPAGT1):c.79del (p.Thr27fs)

Genes: DPAGT1 (dolichyl-phosphate N-acetylglucosaminephosphotransferase 1; minus strand), LOC126861360 (BRD4-independent group 4 enhancer GRCh37_chr11:118972216-118973415; plus strand). Cytogenetic location: 11q23.3.
Variant type: Deletion.
Coding change: c.79del on transcript NM_001382.4 (MANE Select); coding-DNA position 79, one base deleted (A; older notation c.79delA).
Protein change: p.Thr27fs; shifts the reading frame from threonine 27.
Molecular consequence: frameshift variant.
Genome position (GRCh38, 1-based): chr11:119,101,577, T deleted on the plus strand (A on the coding strand, the reverse complement: DPAGT1 is on the minus strand). VCF-style (leftmost placement, unchanged base first): chr11-119101576-GT-G. GRCh37 (hg19) VCF-style: chr11-118972286-GT-G.
Other names: short protein forms T27fs.
Identifiers: ClinVar variation 2944371 (VCV002944371.3), dbSNP rs2497529439, ClinGen allele CA2740093231.

ClinVar aggregate classification (germline): Pathogenic (1 of 4 stars; one submission).

Conditions:
DPAGT1-congenital disorder of glycosylation. Also called: CONGENITAL DISORDER OF GLYCOSYLATION, TYPE Ij; CDG Ij; DPAGT1-CDG. Identifiers: Orphanet 86309, MedGen C2931004, MONDO:0011964, OMIM 608093.
Congenital myasthenic syndrome 13 (CMS13). Also called: Myasthenic syndrome, congenital, with tubular aggregates 2; Myasthenic syndrome, congenital, 13, with tubular aggregates. Identifiers: Orphanet 353327, Orphanet 590, MedGen C3553645, MONDO:0013883, OMIM 614750.

Submission:

Labcorp Genetics (formerly Invitae), Labcorp
Classification: Pathogenic for Congenital myasthenic syndrome 13; DPAGT1-congenital disorder of glycosylation. Last evaluated: 2023-02-16. Review status: criteria provided, single submitter. Criteria: Invitae Variant Classification Sherloc (09022015). Collection method: clinical testing. Allele origin: germline.
Comment: This sequence change creates a premature translational stop signal (p.Thr27Profs*34) in the DPAGT1 gene. It is expected to result in an absent or disrupted protein product. Loss-of-function variants in DPAGT1 are known to be pathogenic (PMID: 22742743). This variant is not present in population databases (gnomAD no frequency). This variant has not been reported in the literature in individuals affected with DPAGT1-related conditions. For these reasons, this variant has been classified as Pathogenic.

Literature cited by the submitters: PubMed 22742743.